The following is an entry in ClinVar:

ClinVar aggregate classification (germline): Uncertain significance (1 of 4 stars; one submission).

gnomAD v4.1: 15 of 1,613,886 alleles (0.00093%); highest among the groups gnomAD compares: African/African-American, 0.02%; no homozygotes.

Submission:

Labcorp Genetics (formerly Invitae), Labcorp
Classification: Uncertain significance. Last evaluated: 2025-07-14. Review status: criteria provided, single submitter. Criteria: Invitae Variant Classification Sherloc (09022015). Collection method: clinical testing. Allele origin: germline.
Comment: This sequence change replaces tyrosine, which is neutral and polar, with serine, which is neutral and polar, at codon 190 of the SPTB protein (p.Tyr190Ser). This variant is present in population databases (rs369779185, gnomAD 0.01%). This variant has not been reported in the literature in individuals affected with SPTB-related conditions. An algorithm developed to predict the effect of missense changes on protein structure and function (PolyPhen-2) suggests that this variant is likely to be disruptive. In summary, the available evidence is currently insufficient to determine the role of this variant in disease. Therefore, it has been classified as a Variant of Uncertain Significance.

NM_001355436.2(SPTB):c.569A>C (p.Tyr190Ser)

Gene: SPTB (spectrin beta, erythrocytic; minus strand). Cytogenetic location: 14q23.3.
Variant type: single nucleotide variant.
Coding change: c.569A>C on transcript NM_001355436.2 (MANE Select); coding-DNA position 569, A replaced by C.
Protein change: p.Tyr190Ser; replaces tyrosine 190 with serine.
Molecular consequence: missense variant.
Genome position (GRCh38, 1-based): chr14:64,801,832, T>G on the plus strand (A>C on the coding strand, the complement: SPTB is on the minus strand). VCF-style: chr14-64801832-T-G. GRCh37 (hg19) VCF-style: chr14-65268550-T-G.
Other names: c.569A>C, p.Tyr190Ser (NM_001024858.4, NM_001355437.2); short protein forms Y190S.
Identifiers: ClinVar variation 4748551 (VCV004748551.1).